The following is an entry in ClinVar:

ClinVar aggregate classification (germline): Uncertain significance (1 of 4 stars; one submission).

Conditions:
Charcot-Marie-Tooth disease axonal type 2C (HMSN2C). Also called: CHARCOT-MARIE-TOOTH DISEASE, AXONAL, AUTOSOMAL DOMINANT, TYPE 2C; Charcot-Marie-Tooth Neuropathy Type 2C; Charcot-Marie-Tooth Disease Type 2, TRPV4-Related (CMT2C). Identifiers: Orphanet 99937, MedGen C1853710, MONDO:0011633, OMIM 606071.

Submission:

Labcorp Genetics (formerly Invitae), Labcorp
Classification: Uncertain significance for Charcot-Marie-Tooth disease axonal type 2C. Last evaluated: 2023-02-02. Review status: criteria provided, single submitter. Criteria: Invitae Variant Classification Sherloc (09022015). Collection method: clinical testing. Allele origin: germline.
Comment: Advanced modeling of protein sequence and biophysical properties (such as structural, functional, and spatial information, amino acid conservation, physicochemical variation, residue mobility, and thermodynamic stability) has been performed at Invitae for this missense variant, however the output from this modeling did not meet the statistical confidence thresholds required to predict the impact of this variant on TRPV4 protein function. This variant has not been reported in the literature in individuals affected with TRPV4-related conditions. This variant is not present in population databases (gnomAD no frequency). This sequence change replaces leucine, which is neutral and non-polar, with proline, which is neutral and non-polar, at codon 458 of the TRPV4 protein (p.Leu458Pro). In summary, the available evidence is currently insufficient to determine the role of this variant in disease. Therefore, it has been classified as a Variant of Uncertain Significance.

NM_021625.5(TRPV4):c.1373T>C (p.Leu458Pro)

Gene: TRPV4 (transient receptor potential cation channel subfamily V member 4; minus strand). Cytogenetic location: 12q24.11.
Variant type: single nucleotide variant.
Coding change: c.1373T>C on transcript NM_021625.5 (MANE Select); coding-DNA position 1373, T replaced by C.
Protein change: p.Leu458Pro; replaces leucine 458 with proline.
Molecular consequence: missense variant.
Genome position (GRCh38, 1-based): chr12:109,794,447, A>G on the plus strand (T>C on the coding strand, the complement: TRPV4 is on the minus strand). VCF-style: chr12-109794447-A-G. GRCh37 (hg19) VCF-style: chr12-110232252-A-G.
Other names: c.1232T>C, p.Leu411Pro (NM_001177428.2); c.1271T>C, p.Leu424Pro (NM_001177431.2); c.1052T>C, p.Leu351Pro (NM_001177433.2); c.1193T>C, p.Leu398Pro (NM_147204.3); short protein forms L351P, L458P, L398P, L411P, L424P.
Identifiers: ClinVar variation 2833886 (VCV002833886.3), dbSNP rs2548732392, ClinGen allele CA386653185.